The following is an entry in ClinVar:

NM_017739.4(POMGNT1):c.1913C>T (p.Ser638Leu)

Genes: POMGNT1 (protein O-linked mannose N-acetylglucosaminyltransferase 1 (beta 1,2-); minus strand), TSPAN1 (tetraspanin 1; plus strand). Cytogenetic location: 1p34.1.
Variant type: single nucleotide variant.
Coding change: c.1913C>T on transcript NM_017739.4 (MANE Select); coding-DNA position 1913, C replaced by T.
Protein change: p.Ser638Leu; replaces serine 638 with leucine.
Molecular consequence: missense variant. On other transcripts: synonymous variant (1), intron variant (1).
Genome position (GRCh38, 1-based): chr1:46,189,340, G>A on the plus strand (C>T on the coding strand, the complement: POMGNT1 is on the minus strand). VCF-style: chr1-46189340-G-A. GRCh37 (hg19) VCF-style: chr1-46655012-G-A.
Other names: c.1887C>T, p.Leu629= (NM_001243766.2); c.1847C>T, p.Ser616Leu (NM_001290129.3); c.1484C>T, p.Ser495Leu (NM_001290130.2); c.1895+118C>T (NM_001410783.1); short protein forms S616L, S495L, S638L.
Identifiers: ClinVar variation 1398313 (VCV001398313.5), dbSNP rs2148162135, ClinGen allele CA340170492.
Genomic context (GRCh38, chr1:46,189,340, plus strand): 5'-TCTGGGGCTCCTGGGGCTCCCTCCTCCTTTGGGGGTGGCTCCAGGAAAATTGGGGTGACT[G>A]AGGGTGGCTTCTTCACTCTGGGAAAATAATACAAGAATGTATAGAGAAGAAGCCATTAGC-3'
Protein context (NP_060209.4, residues 628-648): ASPYSVKKPP[Ser638Leu]VTPIFLEPPP

ClinVar aggregate classification (germline): Uncertain significance (1 of 4 stars; one submission).

Conditions:
Autosomal recessive limb-girdle muscular dystrophy type 2O. Also called: Limb-Girdle Muscular Dystrophy Type 3C; MUSCULAR DYSTROPHY-DYSTROGLYCANOPATHY (LIMB-GIRDLE), TYPE C, 3; MUSCULAR DYSTROPHY-DYSTROGLYCANOPATHY, LIMB-GIRDLE, POMGNT1-RELATED. Identifiers: Orphanet 206564, MedGen C3150417, MONDO:0013161, OMIM 613157.
Muscular dystrophy-dystroglycanopathy (congenital with impaired intellectual development), type B, 3. Also called: MUSCULAR DYSTROPHY, CONGENITAL, POMGNT1-RELATED; Muscular dystrophy-dystroglycanopathy (congenital with intellectual disability), type B3. Identifiers: MedGen C3150412, MONDO:0013155, OMIM 613151.

Submission:

Labcorp Genetics (formerly Invitae), Labcorp
Classification: Uncertain significance for Autosomal recessive limb-girdle muscular dystrophy type 2O; Muscular dystrophy-dystroglycanopathy (congenital with impaired intellectual development), type B, 3. Last evaluated: 2022-08-16. Review status: criteria provided, single submitter. Criteria: Invitae Variant Classification Sherloc (09022015). Collection method: clinical testing. Allele origin: germline.
Comment: This sequence change replaces serine, which is neutral and polar, with leucine, which is neutral and non-polar, at codon 638 of the POMGNT1 protein (p.Ser638Leu). This variant is not present in population databases (gnomAD no frequency). This variant has not been reported in the literature in individuals affected with POMGNT1-related conditions. ClinVar contains an entry for this variant (Variation ID: 1398313). Advanced modeling of protein sequence and biophysical properties (such as structural, functional, and spatial information, amino acid conservation, physicochemical variation, residue mobility, and thermodynamic stability) performed at Invitae indicates that this missense variant is not expected to disrupt POMGNT1 protein function. In summary, the available evidence is currently insufficient to determine the role of this variant in disease. Therefore, it has been classified as a Variant of Uncertain Significance.